The following is an entry in ClinVar:

ClinVar aggregate classification (germline): Benign/Likely benign. Review status: criteria provided, multiple submitters, no conflicts (2 of 4 stars). 4 submissions from 4 submitters: Benign (2); Likely benign (2). Last evaluated 2026-02-02.

Allele frequency attached by ClinVar (database versions not stated): gnomAD 0.00001 and 0.00043; TOPMed 0.00008; gnomAD exomes 0.00069 and 0.00132; ExAC 0.00144; 1000 Genomes Project 30x 0.00297; 1000 Genomes Project 0.00300.
gnomAD v4.1: 1,065 of 1,612,394 alleles (0.066%); highest among the groups gnomAD compares: South Asian, 1.1%; 8 homozygotes.

Submissions (4):

Labcorp Genetics (formerly Invitae), Labcorp
Classification: Benign. Last evaluated: 2026-02-02. Review status: criteria provided, single submitter. Criteria: Invitae Variant Classification Sherloc (09022015). Collection method: clinical testing. Allele origin: germline.

Blueprint Genetics
Classification: Likely benign. Last evaluated: 2024-11-18. Review status: criteria provided, single submitter. Criteria: ACMG Guidelines, 2015. Collection method: clinical testing. Allele origin: germline.

CeGaT Center for Human Genetics Tuebingen
Classification: Likely benign. Last evaluated: 2024-05-01. Review status: criteria provided, single submitter. Criteria: CeGaT Center For Human Genetics Tuebingen Variant Classification Criteria Version 2. Collection method: clinical testing. Allele origin: germline. Affected: yes. Observed: 1 variant allele.
Comment: CPLANE1: BP4, BP7, BS1

GeneDx
Classification: Benign. Last evaluated: 2019-12-03. Review status: criteria provided, single submitter. Criteria: GeneDx Variant Classification Process June 2021. Collection method: clinical testing. Allele origin: germline. Affected: yes.

NM_001384732.1(CPLANE1):c.4947A>G (p.Ser1649=)

Gene: CPLANE1 (ciliogenesis and planar polarity effector complex subunit 1; minus strand). Cytogenetic location: 5p13.2.
Variant type: single nucleotide variant.
Coding change: c.4947A>G on transcript NM_001384732.1 (MANE Select); coding-DNA position 4947, A replaced by G.
Protein change: p.Ser1649=; no amino-acid change (serine 1649 retained).
Molecular consequence: synonymous variant.
Genome position (GRCh38, 1-based): chr5:37,183,234, T>C on the plus strand (A>G on the coding strand, the complement: CPLANE1 is on the minus strand). VCF-style: chr5-37183234-T-C. GRCh37 (hg19) VCF-style: chr5-37183336-T-C.
Other names: c.4947A>G, p.Ser1649= (NM_023073.4).
Identifiers: ClinVar variation 379440 (VCV000379440.35), dbSNP rs554711652, ClinGen allele CA3238630.